The following is an entry in ClinVar:

NM_001035.3(RYR2):c.644C>G (p.Ala215Gly)

Gene: RYR2 (ryanodine receptor 2; plus strand). Cytogenetic location: 1q43.
Variant type: single nucleotide variant.
Coding change: c.644C>G on transcript NM_001035.3 (MANE Select); coding-DNA position 644, C replaced by G.
Protein change: p.Ala215Gly; replaces alanine 215 with glycine.
Molecular consequence: missense variant.
Genome position (GRCh38, 1-based): chr1:237,387,348, C>G. VCF-style: chr1-237387348-C-G. GRCh37 (hg19) VCF-style: chr1-237550648-C-G.
Other names: short protein forms A215G.
Identifiers: ClinVar variation 4540027 (VCV004540027.2).

ClinVar aggregate classification (germline): Uncertain significance. Review status: criteria provided, multiple submitters, no conflicts (2 of 4 stars). 2 submissions from 2 submitters: Uncertain significance (2). Last evaluated 2025-06-24.

Conditions:
Catecholaminergic polymorphic ventricular tachycardia 1. Also called: VENTRICULAR TACHYCARDIA, CATECHOLAMINERGIC POLYMORPHIC, 1, WITH OR WITHOUT ATRIAL DYSFUNCTION AND/OR DILATED CARDIOMYOPATHY; RYR2-Related Catecholaminergic Polymorphic Ventricular Tachycardia; VENTRICULAR TACHYCARDIA, STRESS-INDUCED POLYMORPHIC 1. Identifiers: Orphanet 3286, MedGen C1631597, MONDO:0011484, OMIM 604772.

Submissions (2):

GeneDx
Classification: Uncertain significance. Last evaluated: 2025-06-24. Review status: criteria provided, single submitter. Criteria: GeneDx Variant Classification Process June 2021. Collection method: clinical testing. Allele origin: germline. Affected: yes.
Comment: Not observed at significant frequency in large population cohorts (gnomAD); In silico analysis suggests that this missense variant does not alter protein structure/function; Has not been previously published as pathogenic or benign to our knowledge; Located in one of the three hot-spot regions of the RYR2 gene, where the majority of pathogenic missense variants occur (PMID: 19926015); This variant is associated with the following publications: (PMID: 19926015)

Labcorp Genetics (formerly Invitae), Labcorp
Classification: Uncertain significance for Catecholaminergic polymorphic ventricular tachycardia 1. Last evaluated: 2025-06-14. Review status: criteria provided, single submitter. Criteria: Invitae Variant Classification Sherloc (09022015). Collection method: clinical testing. Allele origin: germline.
Comment: This sequence change replaces alanine, which is neutral and non-polar, with glycine, which is neutral and non-polar, at codon 215 of the RYR2 protein (p.Ala215Gly). This variant is not present in population databases (gnomAD no frequency). This variant has not been reported in the literature in individuals affected with RYR2-related conditions. Invitae Evidence Modeling of protein sequence and biophysical properties (such as structural, functional, and spatial information, amino acid conservation, physicochemical variation, residue mobility, and thermodynamic stability) indicates that this missense variant is not expected to disrupt RYR2 protein function with a negative predictive value of 95%. In summary, the available evidence is currently insufficient to determine the role of this variant in disease. Therefore, it has been classified as a Variant of Uncertain Significance.